The following is an entry in ClinVar:

NM_000465.4(BARD1):c.1757G>C (p.Ser586Thr)

Gene: BARD1 (BRCA1 associated RING domain 1; minus strand). Cytogenetic location: 2q35.
Variant type: single nucleotide variant.
Coding change: c.1757G>C on transcript NM_000465.4 (MANE Select); coding-DNA position 1757, G replaced by C.
Protein change: p.Ser586Thr; replaces serine 586 with threonine.
Molecular consequence: missense variant. On other transcripts: non-coding transcript variant (3), intron variant (1).
Genome position (GRCh38, 1-based): chr2:214,745,775, C>G on the plus strand (G>C on the coding strand, the complement: BARD1 is on the minus strand). VCF-style: chr2-214745775-C-G. GRCh37 (hg19) VCF-style: chr2-215610499-C-G.
Other names: c.1700G>C, p.Ser567Thr (NM_001282543.2); c.404G>C, p.Ser135Thr (NM_001282545.2); c.347G>C, p.Ser116Thr (NM_001282548.2); c.365-15267G>C (NM_001282549.2); c.1757G>C (NM_000465.2); short protein forms S116T, S586T, S567T, S135T.
Identifiers: ClinVar variation 3010827 (VCV003010827.4), dbSNP rs369756202, ClinGen allele CA2090177.

ClinVar aggregate classification (germline): Uncertain significance. Review status: criteria provided, multiple submitters, no conflicts (2 of 4 stars). 2 submissions from 2 submitters: Uncertain significance (2). Last evaluated 2024-06-16.

Conditions:
Hereditary cancer-predisposing syndrome. Also called: Hereditary Cancer Syndrome; Neoplastic Syndromes, Hereditary; Tumor predisposition; Hereditary neoplastic syndrome. Identifiers: Orphanet 140162, MedGen C0027672, MeSH D009386, MONDO:0015356.
Familial cancer of breast. Also called: hereditary breast carcinoma; Hereditary breast cancer; BREAST CANCER, FAMILIAL. Identifiers: Orphanet 227535, MedGen C0346153, MONDO:0016419, OMIM 114480. Disease mechanism: loss of function.

Allele frequency attached by ClinVar (database versions not stated): ExAC 0.00002; ESP Exome Variant Server 0.00008.
gnomAD v4.1: 1 of 1,614,068 alleles (0.000062%); highest among the groups gnomAD compares: Non-Finnish European, 0.000085%; no homozygotes.

Submissions (2):

Ambry Genetics
Classification: Uncertain significance for Hereditary cancer-predisposing syndrome. Last evaluated: 2024-06-16. Review status: criteria provided, single submitter. Criteria: Ambry Variant Classification Scheme 2023. Collection method: clinical testing. Allele origin: germline.
Comment: The p.S586T variant (also known as c.1757G>C), located in coding exon 8 of the BARD1 gene, results from a G to C substitution at nucleotide position 1757. The serine at codon 586 is replaced by threonine, an amino acid with similar properties. This amino acid position is conserved. In addition, this alteration is predicted to be tolerated by in silico analysis. Based on the available evidence, the clinical significance of this variant remains unclear.

Labcorp Genetics (formerly Invitae), Labcorp
Classification: Uncertain significance for Familial cancer of breast. Last evaluated: 2023-08-28. Review status: criteria provided, single submitter. Criteria: Invitae Variant Classification Sherloc (09022015). Collection method: clinical testing. Allele origin: germline.
Comment: This variant has not been reported in the literature in individuals affected with BARD1-related conditions. An algorithm developed to predict the effect of missense changes on protein structure and function (PolyPhen-2) suggests that this variant is likely to be tolerated. In summary, the available evidence is currently insufficient to determine the role of this variant in disease. Therefore, it has been classified as a Variant of Uncertain Significance. This variant is present in population databases (rs369756202, gnomAD 0.007%). This sequence change replaces serine, which is neutral and polar, with threonine, which is neutral and polar, at codon 586 of the BARD1 protein (p.Ser586Thr).